The following is an entry in ClinVar:

ClinVar aggregate classification (germline): Likely benign (1 of 4 stars; one submission).

Conditions:
TSHZ3-related disorder. Also called: TSHZ3-related condition.

gnomAD v4.1: 1,477 of 1,614,188 alleles (0.092%); highest among the groups gnomAD compares: Non-Finnish European, 0.12%; 1 homozygote.

Submission:

PreventionGenetics, part of Exact Sciences
Classification: Likely benign for TSHZ3-related condition. Last evaluated: 2025-09-24. Review status: criteria provided, single submitter. Criteria: ACMG Guidelines, 2015. Collection method: clinical testing. Allele origin: germline.
Comment: This variant is classified as likely benign based on ACMG/AMP sequence variant interpretation guidelines (Richards et al. 2015 PMID: 25741868, with internal and published modifications).

NM_020856.4(TSHZ3):c.993C>T (p.Pro331=)

Gene: TSHZ3 (teashirt zinc finger homeobox 3; minus strand). Cytogenetic location: 19q12.
Variant type: single nucleotide variant.
Coding change: c.993C>T on transcript NM_020856.4 (MANE Select); coding-DNA position 993, C replaced by T.
Protein change: p.Pro331=; no amino-acid change (proline 331 retained).
Molecular consequence: synonymous variant.
Genome position (GRCh38, 1-based): chr19:31,278,800, G>A on the plus strand (C>T on the coding strand, the complement: TSHZ3 is on the minus strand). VCF-style: chr19-31278800-G-A. GRCh37 (hg19) VCF-style: chr19-31769706-G-A.
Identifiers: ClinVar variation 4985215 (VCV004985215.1).
Genomic context (GRCh38, chr19:31,278,800, plus strand): 5'-TGCATCGTTGGTGTCTGAGATGGTGGCTTTGGGGGTTCCACCTGTGGAATCTGGGGAGCT[G>A]GGGAGCTCCAGCTCCAGGGAAGCTTTCTTCCGAGTGGCAGGGATGATTTTGGCGGCGACA-3'
Protein context (NP_065907.2, residues 321-341): RKKASLELEL[Pro331=]SSPDSTGGTP